The following is an entry in ClinVar:

ClinVar aggregate classification (germline): Uncertain significance (1 of 4 stars; one submission).

Submission:

Labcorp Genetics (formerly Invitae), Labcorp
Classification: Uncertain significance. Last evaluated: 2019-10-05. Review status: criteria provided, single submitter. Criteria: Invitae Variant Classification Sherloc (09022015). Collection method: clinical testing. Allele origin: germline.
Comment: This sequence change replaces proline with threonine at codon 175 of the CERKL protein (p.Pro175Thr). The proline residue is highly conserved and there is a small physicochemical difference between proline and threonine. This variant is not present in population databases (ExAC no frequency). This variant has not been reported in the literature in individuals with CERKL-related conditions. Algorithms developed to predict the effect of missense changes on protein structure and function are either unavailable or do not agree on the potential impact of this missense change (SIFT: "Deleterious"; PolyPhen-2: "Probably Damaging"; Align-GVGD: "Class C0"). In summary, the available evidence is currently insufficient to determine the role of this variant in disease. Therefore, it has been classified as a Variant of Uncertain Significance.

NM_201548.5(CERKL):c.523C>A (p.Pro175Thr)

Gene: CERKL (ceramide kinase like; minus strand). Cytogenetic location: 2q31.3.
Variant type: single nucleotide variant.
Coding change: c.523C>A on transcript NM_201548.5 (MANE Select); coding-DNA position 523, C replaced by A.
Protein change: p.Pro175Thr; replaces proline 175 with threonine.
Molecular consequence: missense variant. On other transcripts: non-coding transcript variant (1), intron variant (2).
Genome position (GRCh38, 1-based): chr2:181,573,843, G>T on the plus strand (C>A on the coding strand, the complement: CERKL is on the minus strand). VCF-style: chr2-181573843-G-T. GRCh37 (hg19) VCF-style: chr2-182438570-G-T.
Other names: c.523C>A, p.Pro175Thr (NM_001030311.3, NM_001030313.3); c.482-24135C>A (NM_001030312.3); c.482-7722C>A (NM_001160277.2); short protein forms P175T.
Identifiers: ClinVar variation 957476 (VCV000957476.1), dbSNP rs1689012771, ClinGen allele CA349744165.